The following is an entry in ClinVar:

ClinVar aggregate classification (germline): Uncertain significance (1 of 4 stars; one submission).

Conditions:
Neuroblastoma, susceptibility to, 3. Also called: ALK-Related Neuroblastic Tumor Susceptibility. Identifiers: Orphanet 635, MedGen C2751681, MONDO:0013083, OMIM 613014.

Submission:

Labcorp Genetics (formerly Invitae), Labcorp
Classification: Uncertain significance for Neuroblastoma, susceptibility to, 3. Last evaluated: 2025-07-31. Review status: criteria provided, single submitter. Criteria: Invitae Variant Classification Sherloc (09022015). Collection method: clinical testing. Allele origin: germline.
Comment: This sequence change replaces glycine, which is neutral and non-polar, with valine, which is neutral and non-polar, at codon 578 of the ALK protein (p.Gly578Val). This variant is not present in population databases (gnomAD no frequency). This variant has not been reported in the literature in individuals affected with ALK-related conditions. ClinVar contains an entry for this variant (Variation ID: 958356). An algorithm developed to predict the effect of missense changes on protein structure and function (PolyPhen-2) suggests that this variant is likely to be tolerated. In summary, the available evidence is currently insufficient to determine the role of this variant in disease. Therefore, it has been classified as a Variant of Uncertain Significance.

NM_004304.5(ALK):c.1733G>T (p.Gly578Val)

Gene: ALK (ALK receptor tyrosine kinase; minus strand). Cytogenetic location: 2p23.2.
Variant type: single nucleotide variant.
Coding change: c.1733G>T on transcript NM_004304.5 (MANE Select); coding-DNA position 1733, G replaced by T.
Protein change: p.Gly578Val; replaces glycine 578 with valine.
Molecular consequence: missense variant.
Genome position (GRCh38, 1-based): chr2:29,296,972, C>A on the plus strand (G>T on the coding strand, the complement: ALK is on the minus strand). VCF-style: chr2-29296972-C-A. GRCh37 (hg19) VCF-style: chr2-29519838-C-A.
Other names: short protein forms G578V.
Identifiers: ClinVar variation 958356 (VCV000958356.9), dbSNP rs1666203993, ClinGen allele CA346466252.